The following is an entry in ClinVar:

ClinVar aggregate classification (germline): Uncertain significance (1 of 4 stars; one submission).

gnomAD v4.1: 5 of 1,578,598 alleles (0.00032%); highest among the groups gnomAD compares: East Asian, 0.012%; no homozygotes.

Submission:

Labcorp Genetics (formerly Invitae), Labcorp
Classification: Uncertain significance. Last evaluated: 2025-06-02. Review status: criteria provided, single submitter. Criteria: Invitae Variant Classification Sherloc (09022015). Collection method: clinical testing. Allele origin: germline.
Comment: This sequence change replaces alanine, which is neutral and non-polar, with serine, which is neutral and polar, at codon 625 of the DOCK6 protein (p.Ala625Ser). The frequency data for this variant in the population databases is considered unreliable, as metrics indicate poor data quality at this position in the gnomAD database. This variant has not been reported in the literature in individuals affected with DOCK6-related conditions. Invitae Evidence Modeling of protein sequence and biophysical properties (such as structural, functional, and spatial information, amino acid conservation, physicochemical variation, residue mobility, and thermodynamic stability) indicates that this missense variant is expected to disrupt DOCK6 protein function with a positive predictive value of 80%. Algorithms developed to predict the effect of sequence changes on RNA splicing suggest that this variant may create or strengthen a splice site. In summary, the available evidence is currently insufficient to determine the role of this variant in disease. Therefore, it has been classified as a Variant of Uncertain Significance.

NM_020812.4(DOCK6):c.1873G>T (p.Ala625Ser)

Gene: DOCK6 (dedicator of cytokinesis 6; minus strand). Cytogenetic location: 19p13.2.
Variant type: single nucleotide variant.
Coding change: c.1873G>T on transcript NM_020812.4 (MANE Select); coding-DNA position 1873, G replaced by T.
Protein change: p.Ala625Ser; replaces alanine 625 with serine.
Molecular consequence: missense variant.
Genome position (GRCh38, 1-based): chr19:11,237,739, C>A on the plus strand (G>T on the coding strand, the complement: DOCK6 is on the minus strand). VCF-style: chr19-11237739-C-A. GRCh37 (hg19) VCF-style: chr19-11348415-C-A.
Other names: c.1873G>T, p.Ala625Ser (NM_001367830.1); short protein forms A625S.
Identifiers: ClinVar variation 4777597 (VCV004777597.1).